The following is an entry in ClinVar:

ClinVar aggregate classification (germline): Uncertain significance (1 of 4 stars; one submission).

gnomAD v4.1: 7 of 1,612,204 alleles (0.00043%); highest among the groups gnomAD compares: South Asian, 0.0044%; no homozygotes.

Submission:

Mayo Clinic Laboratories, Mayo Clinic
Classification: Uncertain significance. Last evaluated: 2025-09-23. Review status: criteria provided, single submitter. Criteria: ACMG Guidelines, 2015. Collection method: clinical testing. Allele origin: germline. Observed: 2 variant alleles.
Comment: BP4

NM_000082.4(ERCC8):c.565A>T (p.Ile189Leu)

Gene: ERCC8 (ERCC excision repair 8, CSA ubiquitin ligase complex subunit; minus strand). Cytogenetic location: 5q12.1.
Variant type: single nucleotide variant.
Coding change: c.565A>T on transcript NM_000082.4 (MANE Select); coding-DNA position 565, A replaced by T.
Protein change: p.Ile189Leu; replaces isoleucine 189 with leucine.
Molecular consequence: missense variant.
Genome position (GRCh38, 1-based): chr5:60,902,494, T>A on the plus strand (A>T on the coding strand, the complement: ERCC8 is on the minus strand). VCF-style: chr5-60902494-T-A. GRCh37 (hg19) VCF-style: chr5-60198321-T-A.
Other names: p.Ile189Leu; c.391A>T, p.Ile131Leu (NM_001007233.3); c.106A>T, p.Ile36Leu (NM_001290285.2); short protein forms I131L, I189L, I36L.
Identifiers: ClinVar variation 3379590 (VCV003379590.2).